The following is an entry in ClinVar:

ClinVar aggregate classification (germline): Uncertain significance (1 of 4 stars; one submission).

Conditions:
Bryant-Li-Bhoj neurodevelopmental syndrome 2 (BRYLIB2). Also called: H3-3B syndrome. Identifiers: MedGen C5676906, MONDO:0030607, OMIM 619721. Disease mechanism: loss of function.

Submission:

Institute of Human Genetics, University of Leipzig Medical Center
Classification: Uncertain significance for Bryant-Li-Bhoj neurodevelopmental syndrome 2. Last evaluated: 2023-09-28. Review status: criteria provided, single submitter. Criteria: ACMG Guidelines, 2015. Collection method: clinical testing. Allele origin: maternal. Inheritance: Autosomal dominant inheritance. Affected: yes.
Comment: Criteria applied: PM2,PP2

NM_005324.5(H3-3B):c.328C>G (p.Leu110Val)

Gene: H3-3B (H3.3 histone B; minus strand). Cytogenetic location: 17q25.1.
Variant type: single nucleotide variant.
Coding change: c.328C>G on transcript NM_005324.5 (MANE Select); coding-DNA position 328, C replaced by G.
Protein change: p.Leu110Val; replaces leucine 110 with valine.
Molecular consequence: missense variant.
Genome position (GRCh38, 1-based): chr17:75,778,678, G>C on the plus strand (C>G on the coding strand, the complement: H3-3B is on the minus strand). VCF-style: chr17-75778678-G-C. GRCh37 (hg19) VCF-style: chr17-73774759-G-C.
Other names: short protein forms L110V.
Identifiers: ClinVar variation 2627565 (VCV002627565.3), dbSNP rs778316728, ClinGen allele CA401115394.
Genomic context (GRCh38, chr17:75,778,678, plus strand): 5'-GGCGAGCCAACTGGATGTCTTTGGGCATGATGGTGACTCTCTTAGCGTGGATGGCACACA[G>C]GTTGGTATCTTCGAACAGACCCACCAGGTACGCTTCGCTAGCCTCCTGTTGAGGACGAGA-3'
Protein context (NP_005315.1, residues 100-120): YLVGLFEDTN[Leu110Val]CAIHAKRVTI